The following is an entry in ClinVar:

NM_018026.4(PACS1):c.1331G>A (p.Trp444Ter)

Gene: PACS1 (phosphofurin acidic cluster sorting protein 1; plus strand). Cytogenetic location: 11q13.2.
Variant type: single nucleotide variant.
Coding change: c.1331G>A on transcript NM_018026.4 (MANE Select); coding-DNA position 1331, G replaced by A.
Protein change: p.Trp444Ter; replaces tryptophan 444 with a stop codon.
Molecular consequence: nonsense.
Genome position (GRCh38, 1-based): chr11:66,227,541, G>A. VCF-style: chr11-66227541-G-A. GRCh37 (hg19) VCF-style: chr11-65995012-G-A.
Other names: short protein forms W444*.
Identifiers: ClinVar variation 3772045 (VCV003772045.13).

ClinVar aggregate classification (germline): Uncertain significance (1 of 4 stars; one submission).

Submission:

CeGaT Center for Human Genetics Tuebingen
Classification: Uncertain significance. Last evaluated: 2024-12-01. Review status: criteria provided, single submitter. Criteria: CeGaT Center For Human Genetics Tuebingen Variant Classification Criteria Version 2. Collection method: clinical testing. Allele origin: germline. Affected: yes. Observed: 1 variant allele.
Comment: PACS1: PM2